The following is an entry in ClinVar:

ClinVar aggregate classification (germline): Uncertain significance. Review status: criteria provided, multiple submitters, no conflicts (2 of 4 stars). 2 submissions from 2 submitters: Uncertain significance (2). Last evaluated 2023-08-04.

Conditions:
Progressive sclerosing poliodystrophy (MTDPS4A). Also called: ALPERS DIFFUSE DEGENERATION OF CEREBRAL GRAY MATTER WITH HEPATIC CIRRHOSIS; Alpers-Huttenlocher Syndrome; ALPERS PROGRESSIVE INFANTILE POLIODYSTROPHY; NEURONAL DEGENERATION OF CHILDHOOD WITH LIVER DISEASE, PROGRESSIVE; Mitochondrial DNA Depletion Syndrome 4A; Alpers-Huttenlocher Syndrome (AHS). Identifiers: Orphanet 726, MedGen C0205710, MONDO:0008758, OMIM 203700.

Submissions (2):

Labcorp Genetics (formerly Invitae), Labcorp
Classification: Uncertain significance for Progressive sclerosing poliodystrophy. Last evaluated: 2023-08-04. Review status: criteria provided, single submitter. Criteria: Invitae Variant Classification Sherloc (09022015). Collection method: clinical testing. Allele origin: germline.
Comment: Advanced modeling of protein sequence and biophysical properties (such as structural, functional, and spatial information, amino acid conservation, physicochemical variation, residue mobility, and thermodynamic stability) performed at Invitae indicates that this missense variant is expected to disrupt POLG protein function. ClinVar contains an entry for this variant (Variation ID: 206549). This variant has not been reported in the literature in individuals affected with POLG-related conditions. This variant is present in population databases (no rsID available, gnomAD 0.003%). This sequence change replaces asparagine, which is neutral and polar, with isoleucine, which is neutral and non-polar, at codon 1059 of the POLG protein (p.Asn1059Ile). In summary, the available evidence is currently insufficient to determine the role of this variant in disease. Therefore, it has been classified as a Variant of Uncertain Significance.

GeneDx
Classification: Uncertain significance. Last evaluated: 2014-07-07. Review status: criteria provided, single submitter. Criteria: GeneDx Variant Classification (06012015). Collection method: clinical testing. Allele origin: germline. Affected: yes.
Comment: p.Asn1059Ile (AAT>ATT): c.3176 A>T in exon 20 of the POLG gene (NM_002693.2). The N1059I variant has not been published as a mutation, nor has it been reported as a benign polymorphism to our knowledge. It was not observed in approximately 6,500 individuals of European and African American ancestry in the NHLBI Exome Sequencing Project, indicating it is not a common benign variant in these populations. The N1059I variant is a non-conservative amino acid substitution, which is likely to impact secondary protein structure as these residues differ in polarity, charge, size and/or other properties. This substitution alters a highly conserved position and other missense mutations in this region of the protein have been reported in association with POLG-related disorders. In silico analysis predicts this variant is probably damaging to the protein structure/function. Based on the currently available information, it is unclear whether this variant is a pathogenic mutation or a rare benign variant. The variant is found in EPILEPSY panel(s).

NM_002693.3(POLG):c.3176A>T (p.Asn1059Ile)

Gene: POLG (DNA polymerase gamma, catalytic subunit; minus strand). Cytogenetic location: 15q26.1.
Variant type: single nucleotide variant.
Coding change: c.3176A>T on transcript NM_002693.3 (MANE Select); coding-DNA position 3176, A replaced by T.
Protein change: p.Asn1059Ile; replaces asparagine 1059 with isoleucine.
Molecular consequence: missense variant.
Genome position (GRCh38, 1-based): chr15:89,319,028, T>A on the plus strand (A>T on the coding strand, the complement: POLG is on the minus strand). VCF-style: chr15-89319028-T-A. GRCh37 (hg19) VCF-style: chr15-89862259-T-A.
Other names: p.N1059I:AAT>ATT; c.3176A>T, p.Asn1059Ile (NM_001126131.2); short protein forms N1059I.
Identifiers: ClinVar variation 206549 (VCV000206549.8), dbSNP rs201192905, ClinGen allele CA316742.